The following is an entry in ClinVar:

ClinVar aggregate classification (germline): Likely benign. Review status: criteria provided, multiple submitters, no conflicts (2 of 4 stars). 3 submissions from 3 submitters: Likely benign (2). 1 of the submissions does not count toward it. Last evaluated 2025-07-07.

Conditions:
Cohen syndrome (COH1). Also called: Cutis verticis gyrata, retinitis pigmentosa, and sensorineural deafness; PEPPER SYNDROME. Identifiers: Orphanet 193, MedGen C0265223, MONDO:0008999, OMIM 216550.
VPS13B-related disorder. Also called: VPS13B-related condition.

Allele frequency attached by ClinVar (database versions not stated): TOPMed below 0.00001; ExAC 0.00001; gnomAD exomes 0.00001.
gnomAD v4.1: 7 of 1,606,138 alleles (0.00044%); highest among the groups gnomAD compares: African/African-American, 0.0013%; no homozygotes.

Submissions (3):

PreventionGenetics, part of Exact Sciences
Classification: Likely benign for VPS13B-related condition. Last evaluated: 2025-07-07. Review status: criteria provided, single submitter. Criteria: ACMG Guidelines, 2015. Collection method: clinical testing. Allele origin: germline.
Comment: This variant is classified as likely benign based on ACMG/AMP sequence variant interpretation guidelines (Richards et al. 2015 PMID: 25741868, with internal and published modifications).

Labcorp Genetics (formerly Invitae), Labcorp
Classification: Likely benign for Cohen syndrome. Last evaluated: 2025-02-13. Review status: criteria provided, single submitter. Criteria: Invitae Variant Classification Sherloc (09022015). Collection method: clinical testing. Allele origin: germline.

Natera, Inc.
Classification: Uncertain significance for Cohen syndrome. Last evaluated: 2020-03-11. Review status: no assertion criteria provided. Collection method: clinical testing. Allele origin: germline. Not counted in ClinVar's aggregate classification.

NM_152564.5(VPS13B):c.5221-5T>C

Gene: VPS13B (vacuolar protein sorting 13 homolog B; plus strand). Cytogenetic location: 8q22.2.
Variant type: single nucleotide variant.
Coding change: c.5221-5T>C on transcript NM_152564.5 (MANE Select); 5 bases into the intron before coding-DNA position 5221, T replaced by C.
Molecular consequence: intron variant.
Genome position (GRCh38, 1-based): chr8:99,641,806, T>C. VCF-style: chr8-99641806-T-C. GRCh37 (hg19) VCF-style: chr8-100654034-T-C.
Other names: c.5221-5T>C (NM_152564.4); c.5296-5T>C (NM_017890.5).
Identifiers: ClinVar variation 748320 (VCV000748320.11), dbSNP rs761788793, ClinGen allele CA4823786.